The following is an entry in ClinVar:

ClinVar aggregate classification (germline): Benign. Review status: criteria provided, multiple submitters, no conflicts (2 of 4 stars). 2 submissions from 2 submitters: Benign (2). Last evaluated 2018-01-13.

Conditions:
Stuve-Wiedemann syndrome (STWS). Also called: Stüve-Wiedemann syndrome. Identifiers: Orphanet 3206, MedGen C0796176, MONDO:0031280.

Allele frequency attached by ClinVar (database versions not stated): gnomAD exomes 0.02511; gnomAD 0.10218 and 0.10855; TOPMed 0.11469; 1000 Genomes Project 0.11502; 1000 Genomes Project 30x 0.11821.
gnomAD v4.1: 17,367 of 227,942 alleles (7.6%); highest among the groups gnomAD compares: African/African-American, 33%; 2,533 homozygotes.

Submissions (2):

Illumina Laboratory Services, Illumina
Classification: Benign for Stüve-Wiedemann syndrome 1. Last evaluated: 2018-01-13. Review status: criteria provided, single submitter. Criteria: ICSL Variant Classification Criteria 13 December 2019. Collection method: clinical testing. Allele origin: germline.
Comment: This variant was observed in the ICSL laboratory as part of a predisposition screen in an ostensibly healthy population. It had not been previously curated by ICSL or reported in the Human Gene Mutation Database (HGMD: prior to June 1st, 2018), and was therefore a candidate for classification through an automated scoring system. Utilizing variant allele frequency, disease prevalence and penetrance estimates, and inheritance mode, an automated score was calculated to assess if this variant is too frequent to cause the disease. Based on the score and internal cut-off values, a variant classified as benign is not then subjected to further curation. The score for this variant resulted in a classification of benign for this disease.

Breakthrough Genomics
Classification: Benign. Review status: criteria provided, single submitter. Criteria: ACMG Guidelines, 2015. Collection method: not provided. Allele origin: germline. Inheritance: Autosomal recessive inheritance. Affected: yes.

NM_001127671.2(LIFR):c.*586A>T

Gene: LIFR (LIF receptor subunit alpha; minus strand). Cytogenetic location: 5p13.1.
Variant type: single nucleotide variant.
Coding change: c.*586A>T on transcript NM_001127671.2 (MANE Select); 586 bases downstream of the stop codon, A replaced by T.
Molecular consequence: 3 prime UTR variant.
Genome position (GRCh38, 1-based): chr5:38,481,009, T>A on the plus strand (A>T on the coding strand, the complement: LIFR is on the minus strand). VCF-style: chr5-38481009-T-A. GRCh37 (hg19) VCF-style: chr5-38481111-T-A.
Other names: c.*586A>T (NM_001364297.2, NM_001364298.2, NM_002310.6).
Identifiers: ClinVar variation 353597 (VCV000353597.6), dbSNP rs2561819, ClinGen allele CA10624834.
Genomic context (GRCh38, chr5:38,481,009, plus strand): 5'-TTTCAAAGTTTGTACCCCTGAGACAACTGTTTGATAACCATTATACAGTAGGCACAGAAA[T>A]AAGCATACTTTATCAAACAAAACACTAAATCGCTGTCACTACATTAAAAATTATATTAAT-3'